The following is an entry in ClinVar:

NM_001972.4(ELANE):c.770C>T (p.Pro257Leu)

Gene: ELANE (elastase, neutrophil expressed; plus strand). Cytogenetic location: 19p13.3.
Variant type: single nucleotide variant.
Coding change: c.770C>T on transcript NM_001972.4 (MANE Select); coding-DNA position 770, C replaced by T.
Protein change: p.Pro257Leu; replaces proline 257 with leucine.
Molecular consequence: missense variant.
Genome position (GRCh38, 1-based): chr19:856,130, C>T. VCF-style: chr19-856130-C-T. GRCh37 (hg19) VCF-style: chr19-856130-C-T.
Other names: c.770C>T (LRG_57t1); short protein forms P257L.
Identifiers: ClinVar variation 258501 (VCV000258501.72), dbSNP rs17216663, ClinGen allele CA9026158.

ClinVar aggregate classification (germline): Benign/Likely benign. Review status: criteria provided, multiple submitters, no conflicts (2 of 4 stars). 14 submissions from 14 submitters: Benign (9); Likely benign (2). 3 of the submissions do not count toward it. Last evaluated 2026-09-01.

Conditions:
Cyclical neutropenia. Also called: Cyclic hematopoiesis; Cyclic Neutropenia. Identifiers: Orphanet 2686, MedGen C0221023, MONDO:0008090, OMIM 162800, HP:0040289. Disease mechanism: loss of function.
Neutropenia, severe congenital, 1, autosomal dominant. Identifiers: MedGen C1859966, MONDO:0042490, OMIM 202700.
Autoinflammatory syndrome. Identifiers: Orphanet 93665, MedGen C3890737, MONDO:0019751.

Allele frequency attached by ClinVar (database versions not stated): 1000 Genomes Project 0.00519; gnomAD 0.00569 and 0.00585; ExAC 0.00602; 1000 Genomes Project 30x 0.00625; TOPMed 0.00631; gnomAD exomes 0.00640 and 0.00760; ESP Exome Variant Server 0.00769.
gnomAD v4.1: 11,985 of 1,613,032 alleles (0.74%); highest among the groups gnomAD compares: Middle Eastern, 1.1%; 63 homozygotes.

Submissions (14):

CeGaT Center for Human Genetics Tuebingen
Classification: Benign. Last evaluated: 2026-09-01. Review status: criteria provided, single submitter. Criteria: CeGaT Center For Human Genetics Tuebingen Variant Classification Criteria Version 2. Collection method: clinical testing. Allele origin: germline. Affected: yes. Observed: 36 variant alleles.
Comment: ELANE: BP4, BS1, BS2

Labcorp Genetics (formerly Invitae), Labcorp
Classification: Benign for Neutropenia, severe congenital, 1, autosomal dominant; Cyclical neutropenia. Last evaluated: 2026-02-01. Review status: criteria provided, single submitter. Criteria: Invitae Variant Classification Sherloc (09022015). Collection method: clinical testing. Allele origin: germline.

ARUP Laboratories, Molecular Genetics and Genomics, ARUP Laboratories
Classification: Benign. Last evaluated: 2025-05-23. Review status: criteria provided, single submitter. Criteria: ARUP Molecular Germline Variant Investigation Process 2024. Collection method: clinical testing. Allele origin: germline.

Blueprint Genetics
Classification: Benign. Last evaluated: 2024-11-28. Review status: criteria provided, single submitter. Criteria: ACMG Guidelines, 2015. Collection method: clinical testing. Allele origin: germline.

Genome Diagnostics Laboratory, The Hospital for Sick Children
Classification: Benign for Autoinflammatory syndrome. Last evaluated: 2022-03-14. Review status: criteria provided, single submitter. Criteria: ACMG Guidelines, 2015. Collection method: clinical testing. Allele origin: germline. Affected: yes.

Mayo Clinic Laboratories, Mayo Clinic
Classification: Benign. Last evaluated: 2019-01-31. Review status: criteria provided, single submitter. Criteria: ACMG Guidelines, 2015. Collection method: clinical testing. Allele origin: germline. Observed: 16 variant alleles.

Center for Pediatric Genomic Medicine, Children's Mercy Hospital and Clinics
Classification: Likely benign. Last evaluated: 2017-01-06. Review status: criteria provided, single submitter. Criteria: ACMG Guidelines, 2015. Collection method: clinical testing. Allele origin: germline.
ClinVar note: Converted during submission from Likely Benign to Likely benign.

Genetic Services Laboratory, University of Chicago
Classification: Benign. Last evaluated: 2016-12-01. Review status: criteria provided, single submitter. Criteria: ACMG Guidelines, 2015. Collection method: clinical testing. Allele origin: germline. Affected: no.

GeneDx
Classification: Benign. Last evaluated: 2015-03-03. Review status: criteria provided, single submitter. Criteria: GeneDx Variant Classification Process June 2021. Collection method: clinical testing. Allele origin: germline. Affected: yes.
Comment: This variant is associated with the following publications: (PMID: 23454784, 11675333, 22995991, 27153395, 18043239)

Breakthrough Genomics
Classification: Likely benign. Review status: criteria provided, single submitter. Criteria: ACMG Guidelines, 2015. Collection method: not provided. Allele origin: germline. Inheritance: Autosomal dominant inheritance. Affected: yes.

PreventionGenetics, part of Exact Sciences
Classification: Benign. Review status: criteria provided, single submitter. Criteria: ACMG Guidelines, 2015. Collection method: clinical testing. Allele origin: germline.

Clinical Genetics DNA and cytogenetics Diagnostics Lab, Erasmus MC, Erasmus Medical Center
Classification: Likely benign. Review status: no assertion criteria provided. Collection method: clinical testing. Allele origin: germline. Affected: yes. Study: VKGL Data-share Consensus. Not counted in ClinVar's aggregate classification.

Genome Diagnostics Laboratory, Amsterdam University Medical Center
Classification: Likely benign. Review status: no assertion criteria provided. Collection method: clinical testing. Allele origin: germline. Affected: yes. Study: VKGL Data-share Consensus. Not counted in ClinVar's aggregate classification.

Laboratory of Diagnostic Genome Analysis, Leiden University Medical Center (LUMC)
Classification: Likely benign. Review status: no assertion criteria provided. Collection method: clinical testing. Allele origin: germline. Affected: yes. Study: VKGL Data-share Consensus. Not counted in ClinVar's aggregate classification.